The following is an entry in ClinVar:

NM_198880.3(QRICH1):c.400C>T (p.Gln134Ter)

Gene: QRICH1 (glutamine rich 1; minus strand). Cytogenetic location: 3p21.31.
Variant type: single nucleotide variant.
Coding change: c.400C>T on transcript NM_198880.3 (MANE Select); coding-DNA position 400, C replaced by T.
Protein change: p.Gln134Ter; replaces glutamine 134 with a stop codon.
Molecular consequence: nonsense.
Genome position (GRCh38, 1-based): chr3:49,057,800, G>A on the plus strand (C>T on the coding strand, the complement: QRICH1 is on the minus strand). VCF-style: chr3-49057800-G-A. GRCh37 (hg19) VCF-style: chr3-49095233-G-A.
Other names: c.400C>T, p.Gln134Ter (NM_001320580.2, NM_001320581.2, NM_001320582.2 and 4 more transcripts); short protein forms Q134*.
Identifiers: ClinVar variation 2525239 (VCV002525239.2), dbSNP rs2093411936, ClinGen allele CA352675230.
Genomic context (GRCh38, chr3:49,057,800, plus strand): 5'-GGGTCTGAATGGAGGGGGCTGCTGACTGTGGTGCCTGGCCTTGGATCTGCACCTGGACCT[G>A]GATGGGTTGCTCAGTAGGCTGGTGAACGGTGAGTTGTGGGGAGAGCTGAGCCGAGACCTG-3'

ClinVar aggregate classification (germline): Pathogenic (1 of 4 stars; one submission).

Conditions:
Inborn genetic diseases. Identifiers: MedGen C0950123, MeSH D030342.

Submission:

Ambry Genetics
Classification: Pathogenic for Inborn genetic diseases. Last evaluated: 2023-04-25. Review status: criteria provided, single submitter. Criteria: Ambry Variant Classification Scheme 2023. Collection method: clinical testing. Allele origin: germline.
Comment: The c.400C>T (p.Q134*) alteration, located in exon 4 (coding exon 2) of the QRICH1 gene, consists of a C to T substitution at nucleotide position 400. This changes the amino acid from a glutamine (Q) to a stop codon at amino acid position 134. This alteration is expected to result in loss of function by premature protein truncation or nonsense-mediated mRNA decay. This variant was not reported in population-based cohorts in the Genome Aggregation Database (gnomAD). Based on the available evidence, this alteration is classified as pathogenic.